The following is an entry in ClinVar:

NM_000428.3(LTBP2):c.4978G>T (p.Gly1660Trp)

Gene: LTBP2 (latent transforming growth factor beta binding protein 2; minus strand). Cytogenetic location: 14q24.3.
Variant type: single nucleotide variant.
Coding change: c.4978G>T on transcript NM_000428.3 (MANE Select); coding-DNA position 4978, G replaced by T.
Protein change: p.Gly1660Trp; replaces glycine 1660 with tryptophan.
Molecular consequence: missense variant.
Genome position (GRCh38, 1-based): chr14:74,502,845, C>A on the plus strand (G>T on the coding strand, the complement: LTBP2 is on the minus strand). VCF-style: chr14-74502845-C-A. GRCh37 (hg19) VCF-style: chr14-74969548-C-A.
Other names: short protein forms G1660W.
Identifiers: ClinVar variation 1301847 (VCV001301847.11), dbSNP rs147223742, ClinGen allele CA7268559.

ClinVar aggregate classification (germline): Conflicting classifications of pathogenicity. Review status: criteria provided, conflicting classifications (1 of 4 stars). 3 submissions from 3 submitters: Uncertain significance (1); Benign (1); Likely benign (1). Last evaluated 2026-02-01.

Conditions:
Glaucoma 3, primary congenital, D. Identifiers: Orphanet 98976, MedGen C2751316, MONDO:0013122, OMIM 613086.

Allele frequency attached by ClinVar (database versions not stated): 1000 Genomes Project 30x 0.00094; 1000 Genomes Project 0.00120.
gnomAD v4.1: 341 of 1,614,056 alleles (0.021%); highest among the groups gnomAD compares: South Asian, 0.34%; 2 homozygotes.

Submissions (3):

Labcorp Genetics (formerly Invitae), Labcorp
Classification: Benign. Last evaluated: 2026-02-01. Review status: criteria provided, single submitter. Criteria: Invitae Variant Classification Sherloc (09022015). Collection method: clinical testing. Allele origin: germline.

Baylor Genetics
Classification: Uncertain significance for Glaucoma 3, primary congenital, D. Last evaluated: 2022-01-11. Review status: criteria provided, single submitter. Criteria: ACMG Guidelines, 2015. Collection method: clinical testing. Allele origin: unknown. Affected: yes. Study: CSER-TexasKidsCanSeq.
Comment: This variant was determined to be of uncertain significance according to ACMG Guidelines, 2015 [PMID:25741868].

Dubai Health Genomic Medicine Center, Dubai Health
Classification: Likely benign. Last evaluated: 2020-01-06. Review status: criteria provided, single submitter. Criteria: ACMG Guidelines, 2015. Collection method: clinical testing. Allele origin: germline. Affected: yes.